The following is an entry in ClinVar:

ClinVar aggregate classification (germline): Uncertain significance. Review status: criteria provided, multiple submitters, no conflicts (2 of 4 stars). 3 submissions from 3 submitters: Uncertain significance (2). 1 of the submissions does not count toward it. Last evaluated 2025-07-07.

Conditions:
Citrullinemia. Identifiers: Orphanet 187, MedGen C0175683, MONDO:0015991.
Citrullinemia type I (CTNL1). Also called: ASS DEFICIENCY; argininosuccinate synthetase deficiency. Identifiers: Orphanet 247525, MedGen C4721769, MONDO:0008988, OMIM 215700.

Allele frequency attached by ClinVar (database versions not stated): gnomAD exomes 0.00001; TOPMed 0.00002; ExAC 0.00003; ESP Exome Variant Server 0.00008.
gnomAD v4.1: 11 of 1,613,274 alleles (0.00068%); highest among the groups gnomAD compares: Non-Finnish European, 0.00093%; no homozygotes.

Submissions (3):

Labcorp Genetics (formerly Invitae), Labcorp
Classification: Uncertain significance for Citrullinemia. Last evaluated: 2025-07-07. Review status: criteria provided, single submitter. Criteria: Invitae Variant Classification Sherloc (09022015). Collection method: clinical testing. Allele origin: germline.
Comment: This sequence change falls in intron 2 of the ASS1 gene. It does not directly change the encoded amino acid sequence of the ASS1 protein. This variant is present in population databases (rs375136377, gnomAD 0.002%). This variant has been observed in individual(s) with citrullinemia type 1 (PMID: 28111830). ClinVar contains an entry for this variant (Variation ID: 528372). Algorithms developed to predict the effect of sequence changes on RNA splicing suggest that this variant may disrupt the consensus splice site. In summary, the available evidence is currently insufficient to determine the role of this variant in disease. Therefore, it has been classified as a Variant of Uncertain Significance.

Women's Health and Genetics/Laboratory Corporation of America, LabCorp
Classification: Uncertain significance. Last evaluated: 2022-05-19. Review status: criteria provided, single submitter. Criteria: LabCorp Variant Classification Summary - May 2015. Collection method: clinical testing. Allele origin: germline.
Comment: Variant summary: ASS1 c.-5-10C>G is located in the untranslated mRNA region upstream of the initiation codon. Several computational tools predict a significant impact on normal splicing: two predict the variant abolishes a 3 prime acceptor site; one predicts the variant weakens a 3 prime acceptor site; one predicts the variant creates a 3 prime acceptor site. However, these predictions have yet to be confirmed by functional studies. The variant allele was found at a frequency of 8e-06 in 249576 control chromosomes. The available data on variant occurrences in the general population are insufficient to allow any conclusion about variant significance. c.-5-10C>G has been reported in the literature in an individual (compound heterozygote) affected with Citrullinemia Type I (Fernandez-Carmen Diez_2017). These data do not allow any conclusion about variant significance. To our knowledge, no experimental evidence demonstrating an impact on protein function has been reported. Two clinical diagnostic laboratories have submitted clinical-significance assessments for this variant to ClinVar after 2014 without evidence for independent evaluation. Both laboratories classified the variant as uncertain significance. Based on the evidence outlined above, the variant was classified as uncertain significance.

Counsyl
Classification: Uncertain significance for Citrullinemia type I. Last evaluated: 2018-01-11. Review status: no assertion criteria provided. Collection method: clinical testing. Allele origin: unknown. Not counted in ClinVar's aggregate classification.

Literature cited by the submitters: PubMed 28111830 (cited by 3 submitters).

NM_054012.4(ASS1):c.-5-10C>G

Gene: ASS1 (argininosuccinate synthase 1; plus strand). Cytogenetic location: 9q34.11.
Variant type: single nucleotide variant.
Coding change: c.-5-10C>G on transcript NM_054012.4 (MANE Select); 10 bases into the intron before 5 bases upstream of the start codon, C replaced by G.
Molecular consequence: intron variant.
Genome position (GRCh38, 1-based): chr9:130,452,214, C>G. VCF-style: chr9-130452214-C-G. GRCh37 (hg19) VCF-style: chr9-133327601-C-G.
Other names: c.-5-10C>G (NM_000050.4).
Identifiers: ClinVar variation 528372 (VCV000528372.10), dbSNP rs375136377, ClinGen allele CA5283116.